The following is an entry in ClinVar:

ClinVar aggregate classification (germline): Uncertain significance (1 of 4 stars; one submission).

Conditions:
Parkinson disease 13, autosomal dominant, susceptibility to. Identifiers: Orphanet 2828, MedGen C1853202, MONDO:0012466, OMIM 610297.

Allele frequency attached by ClinVar (database versions not stated): TOPMed 0.00005; gnomAD exomes 0.00006 and 0.00005; ESP Exome Variant Server 0.00008; ExAC 0.00012; gnomAD 0.00006.
gnomAD v4.1: 85 of 1,598,874 alleles (0.0053%); highest among the groups gnomAD compares: Non-Finnish European, 0.0071%; no homozygotes.

Submission:

Illumina Laboratory Services, Illumina
Classification: Uncertain significance for Parkinson disease 13, autosomal dominant, susceptibility to. Last evaluated: 2017-04-28. Review status: criteria provided, single submitter. Criteria: ICSL Variant Classification Criteria 13 December 2019. Collection method: clinical testing. Allele origin: germline.
Comment: This variant was observed as part of a predisposition screen in an ostensibly healthy population. A literature search was performed for the gene, cDNA change, and amino acid change (where applicable). Publications were found based on this search. However, the evidence from the literature, in combination with allele frequency data from public databases where available, was not sufficient to rule this variant in or out of causing disease. Therefore, this variant is classified as a variant of unknown significance.

Literature cited by the submitters: PubMed 18790661; PubMed 18401856.

NM_013247.4(HTRA2):c.-598G>A

Genes: AUP1 (AUP1 lipid droplet regulating VLDL assembly factor; minus strand), HTRA2 (HtrA serine peptidase 2; plus strand). Cytogenetic location: 2p13.1.
Variant type: single nucleotide variant.
Coding change: c.-598G>A on transcript NM_013247.4; 598 bases upstream of the start codon, G replaced by A.
Molecular consequence: synonymous variant (on NM_181575.5). On other transcripts: 5 prime UTR variant (3), non-coding transcript variant (6).
Genome position (GRCh38, 1-based): chr2:74,529,409, G>A. VCF-style: chr2-74529409-G-A. GRCh37 (hg19) VCF-style: chr2-74756536-G-A.
Other names: c.-598G>A (NM_001321727.1, NM_001321728.1, NM_145074.2); c.141C>T, p.Ile47= (NM_181575.5).
Identifiers: ClinVar variation 896013 (VCV000896013.6), dbSNP rs71640291, ClinGen allele CA1728192.
Genomic context (GRCh38, chr2:74,529,409, plus strand): 5'-CCCGCGTCGGAACCTGCGAAGGACGCTGTCTGGCAGCGCGCAGCTGACCAGGAAGACGTG[G>A]ATCCCGAGAAAGAGGCGCAGGACGAGGAGGCAGAACCCGACTGGCGCGTAGAGCAGCAGC-3'